The following continues an entry in ClinVar:

NM_007294.4(BRCA1):c.547+1G>T

Gene: BRCA1. ClinVar aggregate classification (germline): Pathogenic. Pathogenic (1).

Submissions 10 to 14 of 14:

GeneDx
Classification: Pathogenic. Last evaluated: 2021-12-23. Review status: criteria provided, single submitter. Criteria: GeneDx Variant Classification Process June 2021. Collection method: clinical testing. Allele origin: germline. Affected: yes. Not counted in ClinVar's aggregate classification.
Comment: Canonical splice site variant predicted to result in a null allele in a gene for which loss-of-function is a known mechanism of disease; Observed in individuals with a personal or family history consistent with pathogenic variants in this gene (Evans 2003, Jorge 2020); Not observed in large population cohorts (Lek 2016); Truncating variants in this gene are considered pathogenic by a well-established clinical consortium and/or database; Also known as 666+1G>T; IVS8+1G>T; This variant is associated with the following publications: (PMID: 25525159, 12960223, 29446198, 31883735, 31131967, 32918181, 31360904)

Genetics and Molecular Pathology, SA Pathology
Classification: Pathogenic for Breast-ovarian cancer, familial, susceptibility to, 1. Last evaluated: 2020-04-08. Review status: criteria provided, single submitter. Criteria: ACMG Guidelines, 2015. Collection method: clinical testing. Allele origin: germline. Not counted in ClinVar's aggregate classification.

Consortium of Investigators of Modifiers of BRCA1/2 (CIMBA), c/o University of Cambridge
Classification: Pathogenic for Breast-ovarian cancer, familial, susceptibility to, 1. Last evaluated: 2015-10-02. Review status: criteria provided, single submitter. Criteria: CIMBA Mutation Classification guidelines May 2016. Collection method: clinical testing. Allele origin: germline. Not counted in ClinVar's aggregate classification.

Research Molecular Genetics Laboratory, Women's College Hospital, University of Toronto
Classification: Pathogenic for Hereditary breast ovarian cancer syndrome. Last evaluated: 2014-01-31. Review status: no assertion criteria provided. Collection method: research. Allele origin: germline. Affected: yes. Study: The Canadian Open Genetics Repository (COGR). Not counted in ClinVar's aggregate classification.

Breast Cancer Information Core (BIC) (BRCA1)
Classification: Pathogenic for Breast-ovarian cancer, familial 1. Last evaluated: 2000-06-12. Review status: no assertion criteria provided. Collection method: clinical testing. Allele origin: germline. Affected: yes. Observed: 3 variant alleles. Not counted in ClinVar's aggregate classification.

Literature cited by the submitters: PubMed 31131967 (cited by 5 submitters); PubMed 16199547 (cited by Labcorp Genetics (formerly Invitae), Labcorp); PubMed 20104584 (cited by Labcorp Genetics (formerly Invitae), Labcorp); PubMed 12960223 (cited by 5 submitters); PubMed 22333603 (cited by Labcorp Genetics (formerly Invitae), Labcorp and Quest Diagnostics Nichols Institute San Juan Capistrano); PubMed 26534844 (cited by 4 submitters); PubMed 29446198 (cited by 4 submitters); PubMed 32554602 (cited by Women's Health and Genetics/Laboratory Corporation of America, LabCorp); PubMed 31853058 (cited by Color Diagnostics, LLC DBA Color Health); PubMed 10479726 (cited by Ambry Genetics); PubMed 22505045 (cited by Ambry Genetics); PubMed 23451180 (cited by Ambry Genetics).